The following is an entry in ClinVar:

ClinVar aggregate classification (germline): Benign/Likely benign. Review status: criteria provided, multiple submitters, no conflicts (2 of 4 stars). 3 submissions from 3 submitters: Benign (2); Likely benign (1). Last evaluated 2026-01-22.

Allele frequency attached by ClinVar (database versions not stated): 1000 Genomes Project 30x 0.00250; 1000 Genomes Project 0.00260; ExAC 0.00284; ESP Exome Variant Server 0.00307; gnomAD exomes 0.00311 and 0.00457; TOPMed 0.00331; gnomAD 0.00358 and 0.00366.
gnomAD v4.1: 6,917 of 1,551,726 alleles (0.45%); highest among the groups gnomAD compares: Non-Finnish European, 0.53%; 35 homozygotes.

Submissions (3):

Labcorp Genetics (formerly Invitae), Labcorp
Classification: Benign. Last evaluated: 2026-01-22. Review status: criteria provided, single submitter. Criteria: Invitae Variant Classification Sherloc (09022015). Collection method: clinical testing. Allele origin: germline.

CeGaT Center for Human Genetics Tuebingen
Classification: Likely benign. Last evaluated: 2023-04-01. Review status: criteria provided, single submitter. Criteria: CeGaT Center For Human Genetics Tuebingen Variant Classification Criteria Version 2. Collection method: clinical testing. Allele origin: germline. Affected: yes. Observed: 1 variant allele.
Comment: WDR87: BP4, BP7, BS2

Breakthrough Genomics
Classification: Benign. Review status: criteria provided, single submitter. Criteria: ACMG Guidelines, 2015. Collection method: not provided. Allele origin: germline. Inheritance: Unknown mechanism. Affected: yes.

NM_001291088.2(WDR87):c.891C>T (p.Thr297=)

Gene: WDR87 (WD repeat domain 87; minus strand). Cytogenetic location: 19q13.13.
Variant type: single nucleotide variant.
Coding change: c.891C>T on transcript NM_001291088.2 (MANE Select); coding-DNA position 891, C replaced by T.
Protein change: p.Thr297=; no amino-acid change (threonine 297 retained).
Molecular consequence: synonymous variant.
Genome position (GRCh38, 1-based): chr19:37,894,812, G>A on the plus strand (C>T on the coding strand, the complement: WDR87 is on the minus strand). VCF-style: chr19-37894812-G-A. GRCh37 (hg19) VCF-style: chr19-38385452-G-A.
Other names: c.774C>T, p.Thr258= (NM_031951.5).
Identifiers: ClinVar variation 1661475 (VCV001661475.33), dbSNP rs189211881, ClinGen allele CA9408914.